The following is an entry in ClinVar:

ClinVar aggregate classification (germline): Uncertain significance (1 of 4 stars; one submission).

Allele frequency attached by ClinVar (database versions not stated): TOPMed below 0.00001.

Submission:

Labcorp Genetics (formerly Invitae), Labcorp
Classification: Uncertain significance. Last evaluated: 2022-04-06. Review status: criteria provided, single submitter. Criteria: Invitae Variant Classification Sherloc (09022015). Collection method: clinical testing. Allele origin: germline.
Comment: In summary, the available evidence is currently insufficient to determine the role of this variant in disease. Therefore, it has been classified as a Variant of Uncertain Significance. Algorithms developed to predict the effect of missense changes on protein structure and function are either unavailable or do not agree on the potential impact of this missense change (SIFT: "Not Available"; PolyPhen-2: "Possibly Damaging"; Align-GVGD: "Not Available"). This variant has not been reported in the literature in individuals affected with PDSS1-related conditions. This variant is not present in population databases (gnomAD no frequency). This sequence change replaces valine, which is neutral and non-polar, with alanine, which is neutral and non-polar, at codon 360 of the PDSS1 protein (p.Val360Ala).

NM_014317.5(PDSS1):c.1079T>C (p.Val360Ala)

Gene: PDSS1 (decaprenyl diphosphate synthase subunit 1; plus strand). Cytogenetic location: 10p12.1.
Variant type: single nucleotide variant.
Coding change: c.1079T>C on transcript NM_014317.5 (MANE Select); coding-DNA position 1079, T replaced by C.
Protein change: p.Val360Ala; replaces valine 360 with alanine.
Molecular consequence: missense variant. On other transcripts: synonymous variant (1).
Genome position (GRCh38, 1-based): chr10:26,742,549, T>C. VCF-style: chr10-26742549-T-C. GRCh37 (hg19) VCF-style: chr10-27031478-T-C.
Other names: c.569T>C, p.Val190Ala (NM_001321979.2); c.888T>C, p.Cys296= (NM_001321978.2); short protein forms V190A, V360A.
Identifiers: ClinVar variation 1949871 (VCV001949871.5), dbSNP rs943748542, ClinGen allele CA204412315.